The following is an entry in ClinVar:

NM_014874.4(MFN2):c.2205-7_2205-6insGGCCGGGCGCGGTGGCTCACGCCTGTAATCCCAGCACTTTGGGAGGCCGAGGCGGGCGGATCACGAGGNNNNNNNNNNAAAAAAAAAAAAAAAAAAAAAAAAGAACCATTTCT

Gene: MFN2 (mitofusin 2; plus strand). Cytogenetic location: 1p36.22.
Variant type: Microsatellite.
Coding change: c.2205-7_2205-6insGGCCGGGCGCGGTGGCTCACGCCTGTAATCCCAGCACTTTGGGAGGCCGAGGCGGGCGGATCACGAGGNNNNNNNNNNAAAAAAAAAAAAAAAAAAAAAAAAGAACCATTTCT on transcript NM_014874.4 (MANE Select); 7 bases into the intron before coding-DNA position 2205 through 6 bases into the intron before coding-DNA position 2205, GGCCGGGCGCGGTGGCTCACGCCTGTAATCCCAGCACTTTGGGAGGCCGAGGCGGGCGGATCACGAGGNNNNNNNNNNAAAAAAAAAAAAAAAAAAAAAAAAGAACCATTTCT inserted.
Molecular consequence: intron variant.
Genome position: GRCh38: chr1:12,011,475-12,011,489. GRCh37 (hg19), VCF-style position (the base before the change): chr1:12,071,531.
Other names: c.2205-7_2205-6insGGCCGGGCGCGGTGGCTCACGCCTGTAATCCCAGCACTTTGGGAGGCCGAGGCGGGCGGATCACGAGGNNNNNNNNNNAAAAAAAAAAAAAAAAAAAAAAAAGAACCATTTCT (NM_001127660.2).
Identifiers: ClinVar variation 4723528 (VCV004723528.1).

ClinVar aggregate classification (germline): Uncertain significance (1 of 4 stars; one submission).

Conditions:
Charcot-Marie-Tooth disease type 2. Also called: Charcot-Marie-Tooth type 2. Identifiers: Orphanet 64746, MedGen C0270914, MONDO:0018993.

Submission:

Labcorp Genetics (formerly Invitae), Labcorp
Classification: Uncertain significance for Charcot-Marie-Tooth disease type 2. Last evaluated: 2025-07-20. Review status: criteria provided, single submitter. Criteria: Invitae Variant Classification Sherloc (09022015). Collection method: clinical testing. Allele origin: germline.
Comment: This sequence change falls in intron 18 of the MFN2 gene. It does not directly change the encoded amino acid sequence of the MFN2 protein. This variant is not present in population databases (gnomAD no frequency). This variant has not been reported in the literature in individuals affected with MFN2-related conditions. Experimental studies and prediction algorithms are not available or were not evaluated, and the effect of this variant on mRNA splicing is currently unknown. In summary, the available evidence is currently insufficient to determine the role of this variant in disease. Therefore, it has been classified as a Variant of Uncertain Significance.